The following is an entry in ClinVar:

NM_001142864.4(PIEZO1):c.6674T>G (p.Met2225Arg)

Gene: PIEZO1 (piezo type mechanosensitive ion channel component 1 (Er blood group); minus strand). Cytogenetic location: 16q24.3.
Variant type: single nucleotide variant.
Coding change: c.6674T>G on transcript NM_001142864.4 (MANE Select); coding-DNA position 6674, T replaced by G.
Protein change: p.Met2225Arg; replaces methionine 2225 with arginine.
Molecular consequence: missense variant.
Genome position (GRCh38, 1-based): chr16:88,716,885, A>C on the plus strand (T>G on the coding strand, the complement: PIEZO1 is on the minus strand). VCF-style: chr16-88716885-A-C. GRCh37 (hg19) VCF-style: chr16-88783293-A-C.
Other names: c.6674T>G, p.Met2225Arg (LRG_1137t1); short protein forms M2225R.
Identifiers: ClinVar variation 55805 (VCV000055805.3), dbSNP rs587776987, ClinGen allele CA211286.
Genomic context (GRCh38, chr16:88,716,885, plus strand): 5'-CGGGACAGCTCCTCATAGGCCTGGGCCGTGAAGGGGATGATGGACGGCTGCTGGGCGCTC[A>C]TGGTGAACAGCGGCTGGGGCAGGCACGGGGACACGGGGCCACGAAGATGAGCGTGGAGGA-3'
Protein context (NP_001136336.2, residues 2215-2235): KLGGYEPLFT[Met2225Arg]SAQQPSIIPF

ClinVar aggregate classification (germline): Likely pathogenic. Review status: criteria provided, multiple submitters, no conflicts (2 of 4 stars). 3 submissions from 3 submitters: Likely pathogenic (2). 1 of the submissions does not count toward it. Last evaluated 2024-09-24.

Conditions:
Dehydrated hereditary stomatocytosis with or without pseudohyperkalemia and/or perinatal edema (DHS1). Also called: Dehydrated hereditary stomatocytosis 1 with or without pseudohyperkalemia and/or perinatal edema; PSEUDOHYPERKALEMIA EDINBURGH; DEHYDRATED HEREDITARY STOMATOCYTOSIS AND PSEUDOHYPERKALEMIA; DEHYDRATED HEREDITARY STOMATOCYTOSIS WITH PSEUDOHYPERKALEMIA AND PERINATAL EDEMA; Pseudohyperkalemia, familial, 1, due to red cell leak. Identifiers: Orphanet 3202, MedGen C4551512, MONDO:0008689, OMIM 194380.

gnomAD v4.1: 1 of 1,549,966 alleles (0.000065%); highest among the groups gnomAD compares: Non-Finnish European, 0.000087%; no homozygotes.

Submissions (3):

Revvity Omics, Revvity
Classification: Likely pathogenic. Last evaluated: 2024-09-24. Review status: criteria provided, single submitter. Criteria: ACMG Guidelines, 2015. Collection method: clinical testing. Allele origin: germline.

Mayo Clinic Laboratories, Mayo Clinic
Classification: Likely pathogenic. Last evaluated: 2024-07-24. Review status: criteria provided, single submitter. Criteria: ACMG Guidelines, 2015. Collection method: clinical testing. Allele origin: germline. Observed: 1 variant allele.
Comment: PP1_moderate, PM2, PS3, PS4_moderate

OMIM
Classification: Pathogenic for DEHYDRATED HEREDITARY STOMATOCYTOSIS. Last evaluated: 2012-08-30. Review status: no assertion criteria provided. Collection method: literature only. Allele origin: germline. Not counted in ClinVar's aggregate classification.

Literature cited by the submitters: PubMed 22529292 (cited by Mayo Clinic Laboratories, Mayo Clinic and OMIM); PubMed 23487776 (cited by Mayo Clinic Laboratories, Mayo Clinic); PubMed 23695678 (cited by Mayo Clinic Laboratories, Mayo Clinic); PubMed 28716860 (cited by Mayo Clinic Laboratories, Mayo Clinic); PubMed 5559828 (cited by OMIM).